The following is an entry in ClinVar:

ClinVar aggregate classification (germline): Uncertain significance (1 of 4 stars; one submission).

Submission:

GeneDx
Classification: Uncertain significance. Last evaluated: 2026-04-15. Review status: criteria provided, single submitter. Criteria: GeneDx Variant Classification Process June 2021. Collection method: clinical testing. Allele origin: germline.
Comment: Not observed at significant frequency in large population cohorts (gnomAD); In silico analysis supports that this missense variant has a deleterious effect on protein structure/function; Has not been previously published as pathogenic or benign to our knowledge

NM_001291415.2(KDM6A):c.1757C>T (p.Pro586Leu)

Gene: KDM6A (lysine demethylase 6A; plus strand). Cytogenetic location: Xp11.3.
Variant type: single nucleotide variant.
Coding change: c.1757C>T on transcript NM_001291415.2 (MANE Select); coding-DNA position 1757, C replaced by T.
Protein change: p.Pro586Leu; replaces proline 586 with leucine.
Molecular consequence: missense variant. On other transcripts: non-coding transcript variant (1).
Genome position (GRCh38, 1-based): chrX:45,063,495, C>T. VCF-style: chrX-45063495-C-T. GRCh37 (hg19) VCF-style: chrX-44922740-C-T.
Other names: c.1622C>T, p.Pro541Leu (NM_001291416.2, NM_001419811.1); c.1466C>T, p.Pro489Leu (NM_001291417.2); c.1364C>T, p.Pro455Leu (NM_001291418.2, NM_001419815.1); c.713C>T, p.Pro238Leu (NM_001291421.2); c.1499C>T, p.Pro500Leu (NM_001410742.1, NM_001419814.1); c.1757C>T, p.Pro586Leu (NM_001419809.1); c.1655C>T, p.Pro552Leu (NM_001419810.1, NM_001419813.1); c.1601C>T, p.Pro534Leu (NM_001419812.1, NM_021140.4); short protein forms P238L, P455L, P489L, P500L, P534L, P541L, P552L, P586L.
Identifiers: ClinVar variation 5037104 (VCV005037104.1).